The following is an entry in ClinVar:

NM_007272.3(CTRC):c.120C>A (p.Ser40Arg)

Gene: CTRC (chymotrypsin C; plus strand). Cytogenetic location: 1p36.21.
Variant type: single nucleotide variant.
Coding change: c.120C>A on transcript NM_007272.3 (MANE Select); coding-DNA position 120, C replaced by A.
Protein change: p.Ser40Arg; replaces serine 40 with arginine.
Molecular consequence: missense variant.
Genome position (GRCh38, 1-based): chr1:15,440,379, C>A. VCF-style: chr1-15440379-C-A. GRCh37 (hg19) VCF-style: chr1-15766875-C-A.
Other names: short protein forms S40R.
Identifiers: ClinVar variation 1749722 (VCV001749722.2), dbSNP rs1708113042, ClinGen allele CA338564753.

ClinVar aggregate classification (germline): Uncertain significance (1 of 4 stars; one submission).

Conditions:
Hereditary pancreatitis (PCTT). Also called: Hereditary chronic pancreatitis; PRSS1-Related Hereditary Pancreatitis. Identifiers: Orphanet 676, MedGen C0238339, MONDO:0008185, OMIM 167800.

Submission:

Ambry Genetics
Classification: Uncertain significance for Hereditary pancreatitis. Last evaluated: 2021-11-16. Review status: criteria provided, single submitter. Criteria: Ambry Variant Classification Scheme 2023. Collection method: clinical testing. Allele origin: germline.
Comment: The p.S40R variant (also known as c.120C>A), located in coding exon 2 of the CTRC gene, results from a C to A substitution at nucleotide position 120. The serine at codon 40 is replaced by arginine, an amino acid with dissimilar properties. This amino acid position is conserved. In addition, this alteration is predicted to be deleterious by in silico analysis. Since supporting evidence is limited at this time, the clinical significance of this alteration remains unclear.